The following is an entry in ClinVar:

NM_001256789.3(CACNA1F):c.4485+3C>G

Gene: CACNA1F (calcium voltage-gated channel subunit alpha1 F; minus strand). Cytogenetic location: Xp11.23.
Variant type: single nucleotide variant.
Coding change: c.4485+3C>G on transcript NM_001256789.3 (MANE Select); 3 bases into the intron after coding-DNA position 4485, C replaced by G.
Molecular consequence: intron variant.
Genome position (GRCh38, 1-based): chrX:49,210,587, G>C on the plus strand (C>G on the coding strand, the complement: CACNA1F is on the minus strand). VCF-style: chrX-49210587-G-C. GRCh37 (hg19) VCF-style: chrX-49067047-G-C.
Other names: c.4518+3C>G (NM_005183.4); c.4323+3C>G (NM_001256790.3).
Identifiers: ClinVar variation 3695854 (VCV003695854.2).

ClinVar aggregate classification (germline): Uncertain significance (1 of 4 stars; one submission).

gnomAD v4.1: 5 of 1,204,989 alleles (0.00041%); highest among the groups gnomAD compares: South Asian, 0.0088%; no homozygotes.

Submission:

Labcorp Genetics (formerly Invitae), Labcorp
Classification: Uncertain significance. Last evaluated: 2025-11-08. Review status: criteria provided, single submitter. Criteria: Invitae Variant Classification Sherloc (09022015). Collection method: clinical testing. Allele origin: germline.
Comment: This sequence change falls in intron 38 of the CACNA1F gene. It does not directly change the encoded amino acid sequence of the CACNA1F protein. It affects a nucleotide within the consensus splice site. This variant is not present in population databases (gnomAD no frequency). This variant has not been reported in the literature in individuals affected with CACNA1F-related conditions. ClinVar contains an entry for this variant (Variation ID: 3695854). Variants that disrupt the consensus splice site are a relatively common cause of aberrant splicing (PMID: 17576681, 9536098). Algorithms developed to predict the effect of sequence changes on RNA splicing suggest that this variant is not likely to affect RNA splicing. In summary, the available evidence is currently insufficient to determine the role of this variant in disease. Therefore, it has been classified as a Variant of Uncertain Significance.

Literature cited by the submitters: PubMed 17576681; PubMed 9536098.